The following is an entry in ClinVar:

NM_000529.2(MC2R):c.*535G>C

Gene: MC2R (melanocortin 2 receptor; minus strand). Cytogenetic location: 18p11.21.
Variant type: single nucleotide variant.
Coding change: c.*535G>C on transcript NM_000529.2 (MANE Select); 535 bases downstream of the stop codon, G replaced by C.
Molecular consequence: 3 prime UTR variant.
Genome position (GRCh38, 1-based): chr18:13,884,090, C>G on the plus strand (G>C on the coding strand, the complement: MC2R is on the minus strand). VCF-style: chr18-13884090-C-G. GRCh37 (hg19) VCF-style: chr18-13884089-C-G.
Other names: c.*535G>C (NM_001291911.1).
Identifiers: ClinVar variation 326178 (VCV000326178.5), dbSNP rs139176501, ClinGen allele CA10647243.

ClinVar aggregate classification (germline): Benign (1 of 4 stars; one submission).

Conditions:
Glucocorticoid deficiency 1 (GCCD1). Also called: FAMILIAL GLUCOCORTICOID DEFICIENCY 1; Adrenal unresponsiveness to acth; Glucocorticoid deficiency, due to ACTH unresponsiveness. Identifiers: Orphanet 361, MedGen C4049650, MONDO:0024536, OMIM 202200.

Allele frequency attached by ClinVar (database versions not stated): gnomAD 0.00080 and 0.00115; TOPMed 0.00107; gnomAD exomes 0.00283; 1000 Genomes Project 0.00479; 1000 Genomes Project 30x 0.00484.
gnomAD v4.1: 217 of 165,204 alleles (0.13%); highest among the groups gnomAD compares: Middle Eastern, 1.6%; 4 homozygotes.

Submission:

Illumina Laboratory Services, Illumina
Classification: Benign for Glucocorticoid deficiency 1. Last evaluated: 2018-01-13. Review status: criteria provided, single submitter. Criteria: ICSL Variant Classification Criteria 13 December 2019. Collection method: clinical testing. Allele origin: germline.
Comment: This variant was observed in the ICSL laboratory as part of a predisposition screen in an ostensibly healthy population. It had not been previously curated by ICSL or reported in the Human Gene Mutation Database (HGMD: prior to June 1st, 2018), and was therefore a candidate for classification through an automated scoring system. Utilizing variant allele frequency, disease prevalence and penetrance estimates, and inheritance mode, an automated score was calculated to assess if this variant is too frequent to cause the disease. Based on the score and internal cut-off values, a variant classified as benign is not then subjected to further curation. The score for this variant resulted in a classification of benign for this disease.